The following is an entry in ClinVar:

NM_006421.5(ARFGEF1):c.2175G>A (p.Met725Ile)

Gene: ARFGEF1 (ARF guanine nucleotide exchange factor 1; minus strand). Cytogenetic location: 8q13.2.
Variant type: single nucleotide variant.
Coding change: c.2175G>A on transcript NM_006421.5 (MANE Select); coding-DNA position 2175, G replaced by A.
Protein change: p.Met725Ile; replaces methionine 725 with isoleucine.
Molecular consequence: missense variant.
Genome position (GRCh38, 1-based): chr8:67,259,875, C>T on the plus strand (G>A on the coding strand, the complement: ARFGEF1 is on the minus strand). VCF-style: chr8-67259875-C-T. GRCh37 (hg19) VCF-style: chr8-68172110-C-T.
Other names: c.2175G>A, p.Met725Ile (NM_001413184.1, NM_001413185.1, NM_001413186.1 and 7 more transcripts); c.1575G>A, p.Met525Ile (NM_001413188.1, NM_001413193.1, NM_001413197.1); c.750G>A, p.Met250Ile (NM_001413196.1); short protein forms M250I, M525I, M725I.
Identifiers: ClinVar variation 3901058 (VCV003901058.1).

ClinVar aggregate classification (germline): Uncertain significance (1 of 4 stars; one submission).

Conditions:
Developmental delay, impaired speech, and behavioral abnormalities, with or without seizures (DEDISB). Identifiers: MedGen C5575272, MONDO:0859263, OMIM 619964.

Submission:

Laboratorio de Genetica e Diagnostico Molecular, Hospital Israelita Albert Einstein
Classification: Uncertain significance for Developmental delay, impaired speech, and behavioral abnormalities, with or without seizures. Last evaluated: 2023-01-06. Review status: criteria provided, single submitter. Criteria: ACMG Guidelines, 2015. Collection method: clinical testing. Allele origin: germline. Affected: yes.
Comment: ACMG classification criteria: PM2 moderate, PP2 supporting, BP4 supporting